The following is an entry in ClinVar:

ClinVar aggregate classification (germline): Uncertain significance. Review status: criteria provided, multiple submitters, no conflicts (2 of 4 stars). 11 submissions from 11 submitters: Uncertain significance (10). 1 of the submissions does not count toward it. Last evaluated 2025-09-23.

Conditions:
Breast-ovarian cancer, familial, susceptibility to, 5 (BROVCA5). Identifiers: MedGen C5830615, MONDO:0957530, OMIM 620442.
Hereditary cancer-predisposing syndrome. Also called: Neoplastic Syndromes, Hereditary; Hereditary Cancer Syndrome; Tumor predisposition; Hereditary neoplastic syndrome. Identifiers: Orphanet 140162, MedGen C0027672, MeSH D009386, MONDO:0015356.
Fanconi anemia complementation group N. Also called: PALB2-Related Fanconi Anemia. Identifiers: Orphanet 84, MedGen C1835817, MONDO:0012565, OMIM 610832. Disease mechanism: loss of function.
Pancreatic cancer, susceptibility to, 3. Identifiers: Orphanet 1333, MedGen C3150547, MONDO:0013236, OMIM 613348.
Familial cancer of breast. Also called: Hereditary breast cancer; BREAST CANCER, FAMILIAL; hereditary breast carcinoma. Identifiers: Orphanet 227535, MedGen C0346153, MONDO:0016419, OMIM 114480. Disease mechanism: loss of function.

Allele frequency attached by ClinVar (database versions not stated): gnomAD exomes below 0.00001; TOPMed below 0.00001; gnomAD 0.00003.
gnomAD v4.1: 10 of 1,614,194 alleles (0.00062%); highest among the groups gnomAD compares: Non-Finnish European, 0.00085%; no homozygotes.

Submissions (11):

Labcorp Genetics (formerly Invitae), Labcorp
Classification: Uncertain significance for Familial cancer of breast. Last evaluated: 2025-09-23. Review status: criteria provided, single submitter. Criteria: Invitae Variant Classification Sherloc (09022015). Collection method: clinical testing. Allele origin: germline.
Comment: This sequence change replaces aspartic acid, which is acidic and polar, with histidine, which is basic and polar, at codon 616 of the PALB2 protein (p.Asp616His). This variant is present in population databases (rs786201907, gnomAD 0.002%). This missense change has been observed in individual(s) with breast cancer or colorectal cancer (PMID: 25225577, 28944238, 33980423). ClinVar contains an entry for this variant (Variation ID: 185069). Invitae Evidence Modeling of protein sequence and biophysical properties (such as structural, functional, and spatial information, amino acid conservation, physicochemical variation, residue mobility, and thermodynamic stability) indicates that this missense variant is expected to disrupt PALB2 protein function with a positive predictive value of 80%. Experimental studies are conflicting or provide insufficient evidence to determine the effect of this variant on PALB2 function (PMID: 31636395, 34946951). In summary, the available evidence is currently insufficient to determine the role of this variant in disease. Therefore, it has been classified as a Variant of Uncertain Significance.

Color Diagnostics, LLC DBA Color Health
Classification: Uncertain significance for Hereditary cancer-predisposing syndrome. Last evaluated: 2025-08-22. Review status: criteria provided, single submitter. Criteria: ACMG Guidelines, 2015. Collection method: clinical testing. Allele origin: germline.
Comment: This missense variant replaces aspartic acid with histidine at codon 616 of the PALB2 protein. Computational prediction is inconclusive on variant impact on protein structure and function. A functional study reported that this variant does not impact PALB2 in a homology-directed repair assay (PMID: 31636395). This variant has been observed in two individuals with Lynch syndrome associated cancer and/or colorectal polyps (PMID: 25980754, 31942411) and in two individuals affected with breast cancer (PMID: 25225577, 33980423). This variant has been identified in 2/282802 chromosomes in the general population by the Genome Aggregation Database (gnomAD). The available evidence is insufficient to determine the role of this variant in disease conclusively. Therefore, this variant is classified as a Variant of Uncertain Significance.

Quest Diagnostics Nichols Institute San Juan Capistrano
Classification: Uncertain significance. Last evaluated: 2024-12-29. Review status: criteria provided, single submitter. Criteria: Quest Diagnostics criteria. Collection method: clinical testing. Allele origin: unknown.
Comment: The PALB2 c.1846G>C (p.Asp616His) variant has been reported in the published literature in individuals with breast cancer (PMIDs: 35884425 (2022), 33980423 (2021)), colorectal cancer (PMIDs: 31942411 (2019), 28944238 (2017)) and in an individual with a family history of breast and/or ovarian cancer (PMID: 25225577 (2014)). Additionally, a functional study suggests that the variant is not damaging to PALB2 protein function (PMID: 31636395 (2020)). The frequency of this variant in the general population (Genome Aggregation Database) is uninformative in the assessment of its pathogenicity. Analysis of this variant using bioinformatics tools for the prediction of the effect of amino acid changes on protein structure and function yielded conflicting predictions that this variant is benign or damaging. Based on the available information, we are unable to determine the clinical significance of this variant.

Ambry Genetics
Classification: Uncertain significance for Hereditary cancer-predisposing syndrome. Last evaluated: 2024-04-16. Review status: criteria provided, single submitter. Criteria: Ambry Variant Classification Scheme 2023. Collection method: clinical testing. Allele origin: germline.
Comment: The p.D616H variant (also known as c.1846G>C), located in coding exon 5 of the PALB2 gene, results from a G to C substitution at nucleotide position 1846. The aspartic acid at codon 616 is replaced by histidine, an amino acid with similar properties. This alteration was found to be functionally normal in a homology-directed DNA repair (HDR) assay (Wiltshire T et al. Genet Med, 2020 03;22:622-632). This amino acid position is well conserved in available vertebrate species. In addition, this alteration is predicted to be tolerated by in silico analysis. Based on the available evidence, the clinical significance of this variant remains unclear.

Genomic Medicine Center of Excellence, King Faisal Specialist Hospital and Research Centre
Classification: Uncertain significance for Breast-ovarian cancer, familial, susceptibility to, 5. Last evaluated: 2024-03-26. Review status: criteria provided, single submitter. Criteria: ACMG Guidelines, 2015. Collection method: clinical testing. Allele origin: germline.

Baylor Genetics
Classification: Uncertain significance for Familial cancer of breast. Last evaluated: 2023-09-14. Review status: criteria provided, single submitter. Criteria: ACMG Guidelines, 2015. Collection method: clinical testing. Allele origin: unknown.

GeneDx
Classification: Uncertain significance. Last evaluated: 2022-11-10. Review status: criteria provided, single submitter. Criteria: GeneDx Variant Classification Process June 2021. Collection method: clinical testing. Allele origin: germline. Affected: yes.
Comment: Not observed at significant frequency in large population cohorts (gnomAD); In silico analysis supports that this missense variant has a deleterious effect on protein structure/function; Observed in individuals with Lynch-associated cancers and/or colon polyps and also in a patient with unilateral breast cancer; however, the variant did not segregate with breast cancer in this family (Hartley et al., 2014; Yurgelun et al., 2015; Staninova-Stojovska et al., 2019); Published functional studies demonstrate no damaging effect: homology directed DNA repair activity similar to wildtype (Wiltshire et al., 2020); This variant is associated with the following publications: (PMID: 25225577, 25980754, 22941656, 31942411, 31636395)

Fulgent Genetics
Classification: Uncertain significance for Familial cancer of breast; Fanconi anemia complementation group N; Pancreatic cancer, susceptibility to, 3. Last evaluated: 2021-10-20. Review status: criteria provided, single submitter. Criteria: ACMG Guidelines, 2015. Collection method: clinical testing. Allele origin: unknown.

Department of Pathology and Laboratory Medicine, Sinai Health System
Classification: Uncertain significance for Breast-ovarian cancer, familial, susceptibility to, 5. Last evaluated: 2021-10-12. Review status: criteria provided, single submitter. Criteria: ACMG Guidelines, 2015. Collection method: clinical testing. Allele origin: germline. Affected: yes.

Women's Health and Genetics/Laboratory Corporation of America, LabCorp
Classification: Uncertain significance. Last evaluated: 2020-11-25. Review status: criteria provided, single submitter. Criteria: LabCorp Variant Classification Summary - May 2015. Collection method: clinical testing. Allele origin: germline.
Comment: Variant summary: PALB2 c.1846G>C (p.Asp616His) results in a non-conservative amino acid change in the encoded protein sequence. Four of five in-silico tools predict a damaging effect of the variant on protein function. The variant allele was found at a frequency of 4e-06 in 251394 control chromosomes (gnomAD). The available data on variant occurrences in the general population are insufficient to allow any conclusion about variant significance. c.1846G>C has been reported in the literature in one individual affected with breast cancer (Hartley_2014) and individuals affected with LS-associated cancer and/or colorectal polyps (Yurgelun_2015, Staninova-Stojovska_2019). These reports do not provide unequivocal conclusions about association of the variant with Breast Cancer. At least one publication reports experimental evidence evaluating an impact on protein function and showed no damaging effect of this variant (Wiltshire_2019). Five ClinVar submitters (evaluation after 2014) cite the variant as uncertain significance. Based on the evidence outlined above, the variant was classified as uncertain significance.

Leiden Open Variation Database
Classification: Uncertain significance. Last evaluated: 2019-05-13. Review status: no assertion criteria provided. Collection method: curation. Allele origin: germline. Affected: yes. Not counted in ClinVar's aggregate classification.
Comment: Curators: Marc Tischkowitz, Arleen D. Auerbach. Submitters to LOVD: Marc Tischkowitz, Melissa DeRycke.

Literature cited by the submitters: PubMed 25225577 (cited by 6 submitters); PubMed 28944238 (cited by Labcorp Genetics (formerly Invitae), Labcorp and Quest Diagnostics Nichols Institute San Juan Capistrano); PubMed 33980423 (cited by 3 submitters); PubMed 31636395 (cited by 6 submitters); PubMed 34946951 (cited by Labcorp Genetics (formerly Invitae), Labcorp and Quest Diagnostics Nichols Institute San Juan Capistrano); PubMed 25980754 (cited by 4 submitters); PubMed 31942411 (cited by 3 submitters); PubMed 35884425 (cited by Quest Diagnostics Nichols Institute San Juan Capistrano); PubMed 33195396 (cited by Quest Diagnostics Nichols Institute San Juan Capistrano).

NM_024675.4(PALB2):c.1846G>C (p.Asp616His)

Gene: PALB2 (partner and localizer of BRCA2; minus strand). Cytogenetic location: 16p12.2.
Variant type: single nucleotide variant.
Coding change: c.1846G>C on transcript NM_024675.4 (MANE Select); coding-DNA position 1846, G replaced by C.
Protein change: p.Asp616His; replaces aspartic acid 616 with histidine.
Molecular consequence: missense variant.
Genome position (GRCh38, 1-based): chr16:23,630,308, C>G on the plus strand (G>C on the coding strand, the complement: PALB2 is on the minus strand). VCF-style: chr16-23630308-C-G. GRCh37 (hg19) VCF-style: chr16-23641629-C-G.
Other names: short protein forms D616H.
Identifiers: ClinVar variation 185069 (VCV000185069.32), dbSNP rs786201907, ClinGen allele CA190922.